The following is an entry in ClinVar:

NM_004563.4(PCK2):c.820C>T (p.Arg274Trp)

Genes: NRL (neural retina leucine zipper; minus strand), PCK2 (phosphoenolpyruvate carboxykinase 2, mitochondrial; plus strand). Cytogenetic location: 14q11.2.
Variant type: single nucleotide variant.
Coding change: c.820C>T on transcript NM_004563.4 (MANE Select); coding-DNA position 820, C replaced by T.
Protein change: p.Arg274Trp; replaces arginine 274 with tryptophan.
Molecular consequence: missense variant. On other transcripts: intron variant (3).
Genome position (GRCh38, 1-based): chr14:24,099,204, C>T. VCF-style: chr14-24099204-C-T. GRCh37 (hg19) VCF-style: chr14-24568413-C-T.
Other names: c.820C>T, p.Arg274Trp (NM_001018073.3); c.418C>T, p.Arg140Trp (NM_001291556.2, NM_001308054.2); c.-28+15518G>A (NM_001354768.3, NM_001354770.2); c.-253-14459G>A (NM_006177.5); short protein forms R274W, R140W.
Identifiers: ClinVar variation 2884023 (VCV002884023.4), dbSNP rs201814810, ClinGen allele CA7123241.

ClinVar aggregate classification (germline): Uncertain significance. Review status: criteria provided, multiple submitters, no conflicts (2 of 4 stars). 2 submissions from 2 submitters: Uncertain significance (2). Last evaluated 2025-09-22.

Conditions:
Phosphoenolpyruvate carboxykinase deficiency, mitochondrial. Also called: PCK2 DEFICIENCY; PEPCK2 DEFICIENCY. Identifiers: Orphanet 2880, MedGen C1849821, MONDO:0009864, OMIM 261650.

Allele frequency attached by ClinVar (database versions not stated): 1000 Genomes Project 30x 0.00016; 1000 Genomes Project 0.00020; ExAC 0.00004; gnomAD 0.00007; ESP Exome Variant Server 0.00008.
gnomAD v4.1: 100 of 1,601,592 alleles (0.0062%); highest among the groups gnomAD compares: Admixed American, 0.0083%; no homozygotes.

Submissions (2):

Labcorp Genetics (formerly Invitae), Labcorp
Classification: Uncertain significance. Last evaluated: 2025-09-22. Review status: criteria provided, single submitter. Criteria: Invitae Variant Classification Sherloc (09022015). Collection method: clinical testing. Allele origin: germline.
Comment: This sequence change replaces arginine, which is basic and polar, with tryptophan, which is neutral and slightly polar, at codon 274 of the PCK2 protein (p.Arg274Trp). This variant is present in population databases (rs201814810, gnomAD 0.02%). This variant has not been reported in the literature in individuals affected with PCK2-related conditions. ClinVar contains an entry for this variant (Variation ID: 2884023). Invitae Evidence Modeling of protein sequence and biophysical properties (such as structural, functional, and spatial information, amino acid conservation, physicochemical variation, residue mobility, and thermodynamic stability) indicates that this missense variant is not expected to disrupt PCK2 protein function with a negative predictive value of 80%. In summary, the available evidence is currently insufficient to determine the role of this variant in disease. Therefore, it has been classified as a Variant of Uncertain Significance.

Revvity Omics, Revvity
Classification: Uncertain significance for Phosphoenolpyruvate carboxykinase deficiency, mitochondrial. Last evaluated: 2024-10-16. Review status: criteria provided, single submitter. Criteria: ACMG Guidelines, 2015. Collection method: clinical testing. Allele origin: germline.